The following is an entry in ClinVar:

NM_001379200.1(TBX1):c.215CGC[7] (p.Pro75_Pro76dup)

Gene: TBX1 (T-box transcription factor 1; plus strand). Cytogenetic location: 22q11.21.
Variant type: Microsatellite.
Coding change: c.215CGC[7] on transcript NM_001379200.1 (MANE Select); seven copies in a row of the 3-base unit CGC starting at c.215; the reference has five copies in a row; two copies, 6 bases duplicated.
Protein change: p.Pro75_Pro76dup.
Molecular consequence: inframe insertion.
Genome position (GRCh38, 1-based): chr22:19,761,067-19,761,072, CGCCGC duplicated; duplicating any 6 consecutive bases within chr22:19,761,057-19,761,072 gives the same sequence; the position shown is the placement nearest the transcript's 3' end. VCF-style (leftmost placement, unchanged base first): chr22-19761056-C-CCCGCCG. GRCh37 (hg19) VCF-style: chr22-19748579-C-CCCGCCG.
Other names: c.197_202dupCGCCGC (NM_080647.1); c.197_202dup6 (NM_080647.1); c.197_202dup (NM_080647.1); c.188CGC[7], p.Pro66_Pro67dup (NM_005992.1, NM_080646.2, NM_080647.1).
Identifiers: ClinVar variation 658031 (VCV000658031.10), dbSNP rs1009463279, ClinGen allele CA322051997.

ClinVar aggregate classification (germline): Uncertain significance. Review status: criteria provided, multiple submitters, no conflicts (2 of 4 stars). 3 submissions from 3 submitters: Uncertain significance (3). Last evaluated 2025-12-01.

Conditions:
DiGeorge syndrome. Also called: Catch22; THIRD AND FOURTH PHARYNGEAL POUCH SYNDROME. Identifiers: Orphanet 567, MedGen C0012236, MONDO:0008564, OMIM 188400.
TBX1-related disorder. Also called: TBX1-related condition; TBX1-Related Disorders.

Submissions (3):

Labcorp Genetics (formerly Invitae), Labcorp
Classification: Uncertain significance for DiGeorge syndrome. Last evaluated: 2025-12-01. Review status: criteria provided, single submitter. Criteria: Invitae Variant Classification Sherloc (09022015). Collection method: clinical testing. Allele origin: germline.
Comment: This variant, c.197_202dup, results in the insertion of 2 amino acid(s) of the TBX1 protein (p.Pro66_Pro67dup), but otherwise preserves the integrity of the reading frame. The frequency data for this variant in the population databases is considered unreliable, as metrics indicate poor data quality at this position in the gnomAD database. This variant has not been reported in the literature in individuals affected with TBX1-related conditions. ClinVar contains an entry for this variant (Variation ID: 658031). Experimental studies and prediction algorithms are not available or were not evaluated, and the functional significance of this variant is currently unknown. In summary, the available evidence is currently insufficient to determine the role of this variant in disease. Therefore, it has been classified as a Variant of Uncertain Significance.

PreventionGenetics, part of Exact Sciences
Classification: Uncertain significance for TBX1-related condition. Last evaluated: 2025-05-28. Review status: criteria provided, single submitter. Criteria: ACMG Guidelines, 2015. Collection method: clinical testing. Allele origin: germline.
Comment: The TBX1 c.197_202dup6 variant is predicted to result in an in-frame duplication (p.Pro66_Pro67dup). To our knowledge, this variant has not been reported in the literature. This variant is reported in 0.038% of alleles in individuals of African descent in gnomAD. Although we suspect that this variant may be benign, at this time, the clinical significance of this variant is uncertain due to the absence of conclusive functional and genetic evidence.

Revvity Omics, Revvity
Classification: Uncertain significance. Last evaluated: 2025-02-10. Review status: criteria provided, single submitter. Criteria: ACMG Guidelines, 2015. Collection method: clinical testing. Allele origin: germline.